The following is an entry in ClinVar:

NM_001378454.1(ALMS1):c.4478G>C (p.Gly1493Ala)

Gene: ALMS1 (ALMS1 centrosome and basal body associated protein; plus strand). Cytogenetic location: 2p13.1.
Variant type: single nucleotide variant.
Coding change: c.4478G>C on transcript NM_001378454.1 (MANE Select); coding-DNA position 4478, G replaced by C.
Protein change: p.Gly1493Ala; replaces glycine 1493 with alanine.
Molecular consequence: missense variant.
Genome position (GRCh38, 1-based): chr2:73,451,005, G>C. VCF-style: chr2-73451005-G-C. GRCh37 (hg19) VCF-style: chr2-73678132-G-C.
Other names: c.4481G>C, p.Gly1494Ala (NM_015120.4); short protein forms G1493A, G1494A.
Identifiers: ClinVar variation 1480525 (VCV001480525.4), dbSNP rs1347210507, ClinGen allele CA347278622.
Genomic context (GRCh38, chr2:73,451,005, plus strand): 5'-CCCCTTCCAGCTCATTTGGAGAGAAGCCCATTGTTATCTACAAACAGGCCTTTCCAGAGG[G>C]TCATCTACCTGAAGAGTCTCTGAAAGTTTCAGTTGCTCCTGGACCAGTTGGCCAGACAAC-3'
Protein context (NP_001365383.1, residues 1483-1503): IVIYKQAFPE[Gly1493Ala]HLPEESLKVS

ClinVar aggregate classification (germline): Uncertain significance (1 of 4 stars; one submission).

Conditions:
Alstrom syndrome (ALMS). Identifiers: Orphanet 64, MedGen C0268425, MONDO:0008763, OMIM 203800.

gnomAD v4.1: 2 of 1,613,984 alleles (0.00012%); no homozygotes.

Submission:

Labcorp Genetics (formerly Invitae), Labcorp
Classification: Uncertain significance for Alstrom syndrome. Last evaluated: 2025-01-15. Review status: criteria provided, single submitter. Criteria: Invitae Variant Classification Sherloc (09022015). Collection method: clinical testing. Allele origin: germline.
Comment: This sequence change replaces glycine, which is neutral and non-polar, with alanine, which is neutral and non-polar, at codon 1494 of the ALMS1 protein (p.Gly1494Ala). This variant is not present in population databases (gnomAD no frequency). This variant has not been reported in the literature in individuals affected with ALMS1-related conditions. ClinVar contains an entry for this variant (Variation ID: 1480525). Experimental studies and prediction algorithms are not available or were not evaluated, and the functional significance of this variant is currently unknown. In summary, the available evidence is currently insufficient to determine the role of this variant in disease. Therefore, it has been classified as a Variant of Uncertain Significance.